The following is an entry in ClinVar:

NM_020987.5(ANK3):c.10829A>G (p.Glu3610Gly)

Gene: ANK3 (ankyrin 3; minus strand). Cytogenetic location: 10q21.2.
Variant type: single nucleotide variant.
Coding change: c.10829A>G on transcript NM_020987.5 (MANE Select); coding-DNA position 10829, A replaced by G.
Protein change: p.Glu3610Gly; replaces glutamic acid 3610 with glycine.
Molecular consequence: missense variant. On other transcripts: intron variant (4).
Genome position (GRCh38, 1-based): chr10:60,070,052, T>C on the plus strand (A>G on the coding strand, the complement: ANK3 is on the minus strand). VCF-style: chr10-60070052-T-C. GRCh37 (hg19) VCF-style: chr10-61829810-T-C.
Other names: c.4388-2043A>G (NM_001204403.2); c.4409-2043A>G (NM_001204404.2); c.4406-2043A>G (NM_001320874.2); c.1808-2043A>G (NM_001149.4); short protein forms E3610G.
Identifiers: ClinVar variation 3364589 (VCV003364589.2).

ClinVar aggregate classification (germline): Uncertain significance (1 of 4 stars; one submission).

Submission:

GeneDx
Classification: Uncertain significance. Last evaluated: 2026-04-19. Review status: criteria provided, single submitter. Criteria: GeneDx Variant Classification Process June 2021. Collection method: clinical testing. Allele origin: germline.
Comment: Not observed at significant frequency in large population cohorts (gnomAD); In silico analysis supports that this missense variant has a deleterious effect on protein structure/function; Has not been previously published as pathogenic or benign to our knowledge